The following is an entry in ClinVar:

NM_198252.3(GSN):c.-9-2026C>T

Gene: GSN (gelsolin; plus strand). Cytogenetic location: 9q33.2.
Variant type: single nucleotide variant.
Coding change: c.-9-2026C>T on transcript NM_198252.3 (MANE Select); 2026 bases into the intron before 9 bases upstream of the start codon, C replaced by T.
Molecular consequence: intron variant. On other transcripts: missense variant (1).
Genome position (GRCh38, 1-based): chr9:121,299,937, C>T. VCF-style: chr9-121299937-C-T. GRCh37 (hg19) VCF-style: chr9-124062215-C-T.
Other names: c.76C>T, p.Arg26Cys (NM_000177.5); c.-9-2026C>T (NM_001353054.1, NM_001353053.1, NM_001353060.2 and 5 more transcripts); c.-47-119C>T (NM_001353064.2, NM_001353066.2, NM_001353072.2 and 8 more transcripts); c.-1-2034C>T (NM_001353058.2, NM_001353059.2, NM_001353056.2 and 1 more transcripts); c.-38-128C>T (NM_001353073.2, NM_001353065.2, NM_001353068.2 and 2 more transcripts); c.100-2026C>T (NM_001127663.2); c.-32-134C>T (NM_001353070.2); c.-48-1987C>T (NM_001353055.2); and 3 more; short protein forms R26C.
Identifiers: ClinVar variation 915112 (VCV000915112.12), dbSNP rs1048849212, ClinGen allele CA199406388.
Genomic context (GRCh38, chr9:121,299,937, plus strand): 5'-CCCGCGCCCGCGCTGCTTTGCGCGCTGTCCCTGGCGCTGTGCGCGCTGTCGCTGCCCGTC[C>T]GCGCGGCCACTGCGTCGCGGGGGGCGTCCCAGGCGGGGGCGCCCCAGGGGCGGGTGCCCG-3'

ClinVar aggregate classification (germline): Uncertain significance. Review status: criteria provided, multiple submitters, no conflicts (2 of 4 stars). 3 submissions from 3 submitters: Uncertain significance (3). Last evaluated 2026-04-15.

Conditions:
GSN-related disorder. Also called: GSN-related condition.
Finnish type amyloidosis. Also called: Lattice corneal dystrophy associated with familial systemic amyloidosis; Amyloidosis, familial, Finnish type; Meretoja type amyloidosis; Amyloidosis 5; AMYLOID CRANIAL NEUROPATHY WITH LATTICE CORNEAL DYSTROPHY; AMYLOIDOSIS DUE TO MUTANT GELSOLIN. Identifiers: Orphanet 85448, MedGen C1622345, MONDO:0007097, OMIM 105120.

Allele frequency attached by ClinVar (database versions not stated): gnomAD 0.00003; TOPMed 0.00005.
gnomAD v4.1: 45 of 1,261,362 alleles (0.0036%); highest among the groups gnomAD compares: Middle Eastern, 0.048%; no homozygotes.

Submissions (3):

PreventionGenetics, part of Exact Sciences
Classification: Uncertain significance for GSN-related condition. Last evaluated: 2026-04-15. Review status: criteria provided, single submitter. Criteria: ACMG Guidelines, 2015. Collection method: clinical testing. Allele origin: germline.
Comment: The GSN c.76C>T variant is predicted to result in the amino acid substitution p.Arg26Cys. To our knowledge, this variant has not been reported in the literature or in a large population database (gnomAD), indicating this variant is rare. At this time, the clinical significance of this variant is uncertain due to the absence of conclusive functional and genetic evidence.

Labcorp Genetics (formerly Invitae), Labcorp
Classification: Uncertain significance. Last evaluated: 2025-06-27. Review status: criteria provided, single submitter. Criteria: Invitae Variant Classification Sherloc (09022015). Collection method: clinical testing. Allele origin: germline.
Comment: This sequence change replaces arginine, which is basic and polar, with cysteine, which is neutral and slightly polar, at codon 26 of the GSN protein (p.Arg26Cys). This variant is not present in population databases (gnomAD no frequency). This variant has not been reported in the literature in individuals affected with GSN-related conditions. ClinVar contains an entry for this variant (Variation ID: 915112). An algorithm developed to predict the effect of missense changes on protein structure and function outputs the following: PolyPhen-2: "Benign". The cysteine amino acid residue is found in multiple mammalian species, which suggests that this missense change does not adversely affect protein function. In summary, the available evidence is currently insufficient to determine the role of this variant in disease. Therefore, it has been classified as a Variant of Uncertain Significance.

Illumina Laboratory Services, Illumina
Classification: Uncertain significance for Finnish type amyloidosis. Last evaluated: 2018-01-12. Review status: criteria provided, single submitter. Criteria: ICSL Variant Classification Criteria 13 December 2019. Collection method: clinical testing. Allele origin: germline.